The following is an entry in ClinVar:

NM_001244008.2(KIF1A):c.3465C>T (p.Asn1155=)

Gene: KIF1A (kinesin family member 1A; minus strand). Cytogenetic location: 2q37.3.
Variant type: single nucleotide variant.
Coding change: c.3465C>T on transcript NM_001244008.2 (MANE Select); coding-DNA position 3465, C replaced by T.
Protein change: p.Asn1155=; no amino-acid change (asparagine 1155 retained).
Molecular consequence: synonymous variant.
Genome position (GRCh38, 1-based): chr2:240,745,427, G>A on the plus strand (C>T on the coding strand, the complement: KIF1A is on the minus strand). VCF-style: chr2-240745427-G-A. GRCh37 (hg19) VCF-style: chr2-241684844-G-A.
Other names: c.3189C>T, p.Asn1063= (NM_001320705.2, NM_001330289.2, NM_001379638.1); c.3264C>T, p.Asn1088= (NM_001330290.2, NM_001379634.1, NM_001379635.1 and 1 more transcripts); c.3540C>T, p.Asn1180= (NM_001379631.1); c.3414C>T, p.Asn1138= (NM_001379632.1); c.3438C>T, p.Asn1146= (NM_001379633.1, NM_001379642.1, NM_001379645.1); c.3162C>T, p.Asn1054= (NM_001379636.1, NM_001379639.1, NM_001379641.1 and 5 more transcripts); c.3237C>T, p.Asn1079= (NM_001379637.1, NM_001379648.1); c.3159C>T, p.Asn1053= (NM_001379640.1).
Identifiers: ClinVar variation 1040792 (VCV001040792.24), dbSNP rs371782922, ClinGen allele CA2207808.
Genomic context (GRCh38, chr2:240,745,427, plus strand): 5'-AGAGAGGCCCTGGGAGGGTCAGTCAGTGGCAGGGATGGGGAGAAGTGCCCAGGAACGTAC[G>A]TTCTGGACGTGGTAGAAGCCAAGTGGGGGGCCTCTGCCTGTGTTCTTCAGGGGCTCTGTG-3'
Protein context (NP_001230937.1, residues 1145-1165): GPPLGFYHVQ[Asn1155=]IAVEVTKSFI

ClinVar aggregate classification (germline): Conflicting classifications of pathogenicity. Review status: criteria provided, conflicting classifications (1 of 4 stars). 4 submissions from 4 submitters: Uncertain significance (1); Benign (1); Likely benign (2). Last evaluated 2026-01-19.

Conditions:
Hereditary spastic paraplegia 30. Identifiers: Orphanet 101010, MedGen C5235139, MONDO:0012476.
Neuropathy, hereditary sensory and autonomic, type 2A (HSAN2A). Also called: HSAN IIA; ACROOSTEOLYSIS, GIACCAI TYPE; ACROOSTEOLYSIS, NEUROGENIC; WNK1-Related HSAN2 (HSAN2A); MORVAN DISEASE; NEUROPATHY, CONGENITAL SENSORY. Identifiers: Orphanet 970, MedGen C2752089, MONDO:0024309, OMIM 201300.
Neuropathy, hereditary sensory, type 2C. Also called: Hereditary sensory and autonomic neuropathy type IIC; KIF1A-Related HSAN2 (HSAN2C). Identifiers: Orphanet 970, MedGen C3280168, MONDO:0013634, OMIM 614213.
Intellectual disability, autosomal dominant 9 (NESCAVS). Also called: KIF1A-Related Neurodevelopmental Disorder; NESCAV SYNDROME. Identifiers: Orphanet 662367, MedGen C5393830, MONDO:0013656, OMIM 614255.
Inborn genetic diseases. Identifiers: MedGen C0950123, MeSH D030342.

Allele frequency attached by ClinVar (database versions not stated): gnomAD exomes 0.00009 and 0.00003; TOPMed 0.00001; ExAC 0.00005; ESP Exome Variant Server 0.00008.
gnomAD v4.1: 46 of 1,610,728 alleles (0.0029%); highest among the groups gnomAD compares: East Asian, 0.018%; no homozygotes.

Submissions (4):

Labcorp Genetics (formerly Invitae), Labcorp
Classification: Benign for Hereditary spastic paraplegia 30; Neuropathy, hereditary sensory, type 2C; Intellectual disability, autosomal dominant 9. Last evaluated: 2026-01-19. Review status: criteria provided, single submitter. Criteria: Invitae Variant Classification Sherloc (09022015). Collection method: clinical testing. Allele origin: germline.

CeGaT Center for Human Genetics Tuebingen
Classification: Likely benign. Last evaluated: 2024-10-01. Review status: criteria provided, single submitter. Criteria: CeGaT Center For Human Genetics Tuebingen Variant Classification Criteria Version 2. Collection method: clinical testing. Allele origin: germline. Affected: yes. Observed: 1 variant allele.
Comment: KIF1A: BP4, BP7

Department of Pathology and Laboratory Medicine, Sinai Health System
Classification: Uncertain significance for Neuropathy, hereditary sensory and autonomic, type 2A; Spastic paraplegia 30A, autosomal dominant; Neuropathy, hereditary sensory, type 2C; Intellectual disability, autosomal dominant 9. Last evaluated: 2022-01-20. Review status: criteria provided, single submitter. Criteria: ACMG Guidelines, 2015. Collection method: research. Allele origin: germline.

Ambry Genetics
Classification: Likely benign for Inborn genetic diseases. Last evaluated: 2021-05-10. Review status: criteria provided, single submitter. Criteria: Ambry Variant Classification Scheme 2023. Collection method: clinical testing. Allele origin: germline.